The following is an entry in ClinVar:

NM_014014.5(SNRNP200):c.3889C>G (p.Pro1297Ala)

Gene: SNRNP200 (small nuclear ribonucleoprotein U5 subunit 200; minus strand). Cytogenetic location: 2q11.2.
Variant type: single nucleotide variant.
Coding change: c.3889C>G on transcript NM_014014.5 (MANE Select); coding-DNA position 3889, C replaced by G.
Protein change: p.Pro1297Ala; replaces proline 1297 with alanine.
Molecular consequence: missense variant.
Genome position (GRCh38, 1-based): chr2:96,286,425, G>C on the plus strand (C>G on the coding strand, the complement: SNRNP200 is on the minus strand). VCF-style: chr2-96286425-G-C. GRCh37 (hg19) VCF-style: chr2-96952163-G-C.
Other names: c.3889C>G (NM_014014.4); short protein forms P1297A.
Identifiers: ClinVar variation 1036730 (VCV001036730.8), dbSNP rs371511825, ClinGen allele CA1778352.

ClinVar aggregate classification (germline): Conflicting classifications of pathogenicity. Review status: criteria provided, conflicting classifications (1 of 4 stars). 3 submissions from 3 submitters: Uncertain significance (2); Likely benign (1). Last evaluated 2026-01-26.

Conditions:
Inborn genetic diseases. Identifiers: MedGen C0950123, MeSH D030342.
SNRNP200-related disorder. Also called: SNRNP200-related condition.

Allele frequency attached by ClinVar (database versions not stated): gnomAD 0.00002; TOPMed 0.00005; ESP Exome Variant Server 0.00015.
gnomAD v4.1: 52 of 1,614,182 alleles (0.0032%); highest among the groups gnomAD compares: Non-Finnish European, 0.0039%; no homozygotes.

Submissions (3):

Labcorp Genetics (formerly Invitae), Labcorp
Classification: Likely benign. Last evaluated: 2026-01-26. Review status: criteria provided, single submitter. Criteria: Invitae Variant Classification Sherloc (09022015). Collection method: clinical testing. Allele origin: germline.

PreventionGenetics, part of Exact Sciences
Classification: Uncertain significance for SNRNP200-related condition. Last evaluated: 2025-11-20. Review status: criteria provided, single submitter. Criteria: ACMG Guidelines, 2015. Collection method: clinical testing. Allele origin: germline.
Comment: The SNRNP200 c.3889C>G variant is predicted to result in the amino acid substitution p.Pro1297Ala. To our knowledge, this variant has not been reported in the literature. This variant is reported in 0.0050% of alleles in individuals of East Asian descent in gnomAD. At this time, the clinical significance of this variant is uncertain due to the absence of conclusive functional and genetic evidence.

Ambry Genetics
Classification: Uncertain significance for Inborn genetic diseases. Last evaluated: 2025-08-29. Review status: criteria provided, single submitter. Criteria: Ambry Variant Classification Scheme 2023. Collection method: clinical testing. Allele origin: germline.